The following is an entry in ClinVar:

NM_000534.5(PMS1):c.1075G>A (p.Val359Ile)

Gene: PMS1 (PMS1 homolog 1, mismatch repair system component; plus strand). Cytogenetic location: 2q32.2.
Variant type: single nucleotide variant.
Coding change: c.1075G>A on transcript NM_000534.5 (MANE Select); coding-DNA position 1075, G replaced by A.
Protein change: p.Val359Ile; replaces valine 359 with isoleucine.
Molecular consequence: missense variant. On other transcripts: non-coding transcript variant (1).
Genome position (GRCh38, 1-based): chr2:189,854,347, G>A. VCF-style: chr2-189854347-G-A. GRCh37 (hg19) VCF-style: chr2-190719073-G-A.
Other names: c.958G>A, p.Val320Ile (NM_001128143.2, NM_001321044.2); c.1075G>A, p.Val359Ile (NM_001128144.2, NM_001321045.2, NM_001321047.2 and 1 more transcripts); c.547G>A, p.Val183Ile (NM_001289408.2, NM_001289409.2); c.892G>A, p.Val298Ile (NM_001321046.2); short protein forms V183I, V298I, V320I, V359I.
Identifiers: ClinVar variation 1050127 (VCV001050127.1), dbSNP rs369839744, ClinGen allele CA2026608.
Genomic context (GRCh38, chr2:189,854,347, plus strand): 5'-CCATTACCTAGTACAAATTCTTATGAAAATAATAAAACAGATGTTTCCGCAGCTGACATC[G>A]TTCTTAGTAAAACAGCAGAAACAGATGTGCTTTTTAATAAAGTGGAATCATCTGGAAAGA-3'
Protein context (NP_000525.1, residues 349-369): NKTDVSAADI[Val359Ile]LSKTAETDVL

ClinVar aggregate classification (germline): Uncertain significance (0 of 4 stars; one submission).

Allele frequency attached by ClinVar (database versions not stated): gnomAD 0.00001; gnomAD exomes 0.00001 and 0.00003; TOPMed 0.00002; ExAC 0.00004; ESP Exome Variant Server 0.00008.
gnomAD v4.1: 19 of 1,600,350 alleles (0.0012%); highest among the groups gnomAD compares: Middle Eastern, 0.05%; no homozygotes.

Submission:

Department of Pathology and Laboratory Medicine, Sinai Health System
Classification: Uncertain significance. Review status: no assertion criteria provided. Collection method: clinical testing. Allele origin: unknown. Affected: yes. Study: The Canadian Open Genetics Repository (COGR).
Comment: The PMS1 p.Val359Ile variant was not identified in the literature nor was it identified in ClinVar, Cosmic or LOVD 3.0. The variant was identified in dbSNP (ID: rs369839744) and in control databases in 7 of 243568 chromosomes at a frequency of 0.000029 (Genome Aggregation Database Feb 27, 2017). The variant was observed in the following populations: Other in 1 of 5866 chromosomes (freq: 0.000171), Ashkenazi Jewish in 1 of 9672 chromosomes (freq: 0.000103), European (non-Finnish) in 4 of 110920 chromosomes (freq: 0.000036) and Latino in 1 of 33178 chromosomes (freq: 0.00003), but was not observed in the African, East Asian, European (Finnish) or South Asian populations. The p.Val359 residue is not conserved in mammals and computational analyses (PolyPhen-2, SIFT, AlignGVGD, BLOSUM, MutationTaster) do not suggest a high likelihood of impact to the protein; however, this information is not predictive enough to rule out pathogenicity. The variant occurs outside of the splicing consensus sequence and in silico or computational prediction software programs (SpliceSiteFinder, MaxEntScan, NNSPLICE, GeneSplicer) do not predict a difference in splicing. In summary, based on the above information the clinical significance of this variant cannot be determined with certainty at this time. This variant is classified as a variant of uncertain significance.